The following is an entry in ClinVar:

NM_000059.4(BRCA2):c.6352_6355del (p.Val2118fs)

Gene: BRCA2 (BRCA2 DNA repair associated; plus strand). Cytogenetic location: 13q13.1.
Variant type: Deletion.
Coding change: c.6352_6355del on transcript NM_000059.4 (MANE Select); coding-DNA positions 6352 to 6355, 4 bases deleted (GTAA; older notation c.6352_6355delGTAA).
Protein change: p.Val2118fs; shifts the reading frame from valine 2118.
Molecular consequence: frameshift variant. On other transcripts: non-coding transcript variant (1), intron variant (2).
Genome position (GRCh38, 1-based): chr13:32,340,707-32,340,710, GTAA deleted. VCF-style (leftmost placement, unchanged base first): chr13-32340706-TGTAA-T. GRCh37 (hg19) VCF-style: chr13-32914843-TGTAA-T.
Other names: c.6352_6355del, p.Val2118fs (NM_001406719.1, NM_001406720.1, NM_001432077.1); c.1910-3851_1910-3848del (NM_001406721.1); c.425-3851_425-3848del (NM_001406722.1); short protein forms V2118fs.
Identifiers: ClinVar variation 4071411 (VCV004071411.1).

ClinVar aggregate classification (germline): Pathogenic (1 of 4 stars; one submission).

Conditions:
Breast-ovarian cancer, familial, susceptibility to, 2 (BROVCA2). Also called: BRCA2 Hereditary Breast and Ovarian Cancer. Identifiers: Orphanet 145, MedGen C2675520, MONDO:0012933, OMIM 612555. Disease mechanism: loss of function.

Submission:

Myriad Genetics, Inc.
Classification: Pathogenic for Breast-ovarian cancer, familial, susceptibility to, 2. Last evaluated: 2025-06-27. Review status: criteria provided, single submitter. Criteria: Myriad Autosomal Dominant, Autosomal Recessive and X-Linked Classification Criteria (2023). Collection method: clinical testing. Allele origin: unknown.
Comment: This variant is considered pathogenic. This variant creates a frameshift predicted to result in premature protein truncation.